The following is an entry in ClinVar:

ClinVar aggregate classification (germline): Uncertain significance. Review status: criteria provided, multiple submitters, no conflicts (2 of 4 stars). 2 submissions from 2 submitters: Uncertain significance (2). Last evaluated 2025-08-27.

Conditions:
Supravalvar aortic stenosis (SVAS). Also called: Supravalvar aortic stenosis, Eisenberg type. Identifiers: Orphanet 3193, MedGen C0003499, MONDO:0008504, OMIM 185500, HP:0004381.

Submissions (2):

Labcorp Genetics (formerly Invitae), Labcorp
Classification: Uncertain significance for Supravalvar aortic stenosis. Last evaluated: 2025-08-27. Review status: criteria provided, single submitter. Criteria: Invitae Variant Classification Sherloc (09022015). Collection method: clinical testing. Allele origin: germline.
Comment: This variant, c.918_923dup, results in the insertion of 2 amino acid(s) of the ELN protein (p.Ala310_Ala311dup), but otherwise preserves the integrity of the reading frame. The frequency data for this variant in the population databases is considered unreliable, as metrics indicate poor data quality at this position in the gnomAD database. This variant has not been reported in the literature in individuals affected with ELN-related conditions. In summary, the available evidence is currently insufficient to determine the role of this variant in disease. Therefore, it has been classified as a Variant of Uncertain Significance.

GeneDx
Classification: Uncertain significance. Last evaluated: 2023-05-31. Review status: criteria provided, single submitter. Criteria: GeneDx Variant Classification Process June 2021. Collection method: clinical testing. Allele origin: germline. Affected: yes.
Comment: Not observed at significant frequency in large population cohorts (gnomAD); Has not been previously published as pathogenic or benign to our knowledge

NM_000501.4(ELN):c.906TGCAGC[4] (p.Ala311_Lys312insAlaAla)

Gene: ELN (elastin; plus strand). Cytogenetic location: 7q11.23.
Variant type: Microsatellite.
Coding change: c.906TGCAGC[4] on transcript NM_000501.4 (MANE Select); four copies in a row of the 6-base unit TGCAGC starting at c.906; the reference has three copies in a row; one copy, 6 bases duplicated.
Protein change: p.Ala311_Lys312insAlaAla.
Molecular consequence: inframe insertion.
Genome position (GRCh38, 1-based): chr7:74,051,952-74,051,957, TGCAGC duplicated; duplicating any 6 consecutive bases within chr7:74,051,936-74,051,957 gives the same sequence; the position shown is the placement nearest the transcript's 3' end. VCF-style (leftmost placement, unchanged base first): chr7-74051935-C-CCAGCTG. GRCh37 (hg19) VCF-style: chr7-73466265-C-CCAGCTG.
Other names: c.876TGCAGC[4], p.Ala301_Lys302insAlaAla (NM_001081752.3, NM_001278917.2); c.921TGCAGC[4], p.Ala316_Lys317insAlaAla (NM_001081753.3, NM_001081754.3); c.906TGCAGC[4], p.Ala311_Lys312insAlaAla (NM_001081755.3, NM_001278912.2, NM_001278915.2 and 1 more transcripts); c.798TGCAGC[4], p.Ala275_Lys276insAlaAla (NM_001278913.2); c.891TGCAGC[4], p.Ala306_Lys307insAlaAla (NM_001278914.2); c.864TGCAGC[4], p.Ala297_Lys298insAlaAla (NM_001278916.2); c.774TGCAGC[4], p.Ala267_Lys268insAlaAla (NM_001278918.2).
Identifiers: ClinVar variation 2504564 (VCV002504564.4), dbSNP rs782133793, ClinGen allele CA4292757.